The following is an entry in ClinVar:

ClinVar aggregate classification (germline): Benign/Likely benign. Review status: criteria provided, multiple submitters, no conflicts (2 of 4 stars). 3 submissions from 3 submitters: Benign (2); Likely benign (1). Last evaluated 2026-01-25.

Conditions:
Charcot-Marie-Tooth disease type 4. Also called: Charcot-Marie-Tooth disease, type IV; Charcot-Marie-Tooth, Type 4. Identifiers: Orphanet 64749, MedGen C4082197, MONDO:0018995.

Submissions (4):

Labcorp Genetics (formerly Invitae), Labcorp
Classification: Benign for Charcot-Marie-Tooth disease type 4. Last evaluated: 2026-01-25. Review status: criteria provided, single submitter. Criteria: Invitae Variant Classification Sherloc (09022015). Collection method: clinical testing. Allele origin: germline.

Blueprint Genetics
Classification: Likely benign. Last evaluated: 2024-08-21. Review status: criteria provided, single submitter. Criteria: ACMG Guidelines, 2015. Collection method: clinical testing. Allele origin: germline.

GeneDx
Classification: Benign. Last evaluated: 2018-01-19. Review status: criteria provided, single submitter. Criteria: GeneDx Variant Classification (06012015). Collection method: clinical testing. Allele origin: germline. Affected: yes.
Comment: This variant is considered likely benign or benign based on one or more of the following criteria: it is a conservative change, it occurs at a poorly conserved position in the protein, it is predicted to be benign by multiple in silico algorithms, and/or has population frequency not consistent with disease.

Dr. Peter K. Rogan Lab, Western University
No classification provided (evidence only). Condition: Colon adenocarcinoma. Review status: no classification provided. Collection method: in vitro. Allele origin: not applicable. Functional consequence: retained intron. Not counted in ClinVar's aggregate classification.

NM_024577.4(SH3TC2):c.385+4_385+8del

Gene: SH3TC2 (SH3 domain and tetratricopeptide repeats 2; minus strand). Cytogenetic location: 5q32.
Variant type: Deletion.
Coding change: c.385+4_385+8del on transcript NM_024577.4 (MANE Select); bases 4 to 8 of the intron after coding-DNA position 385, 5 bases deleted (TGGTA; older notation c.385+4_385+8delTGGTA).
Molecular consequence: splice donor variant.
Genome position (GRCh38, 1-based): chr5:149,044,525-149,044,529, TACCA deleted on the plus strand (TGGTA on the coding strand, the reverse complement: SH3TC2 is on the minus strand); deleting any 5 consecutive bases within chr5:149,044,525-149,044,533 gives the same sequence; the c. name uses the placement nearest the transcript's 3' end. VCF-style (leftmost placement, unchanged base first): chr5-149044524-GTACCA-G. GRCh37 (hg19) VCF-style: chr5-148424087-GTACCA-G.
Other names: NC_000005.9:g.148424092_148424096del; c.385+4_385+8delTGGTA (NM_024577.3); c.385_385+4del (NM_024577.4).
Identifiers: ClinVar variation 414371 (VCV000414371.13), dbSNP rs148930563, ClinGen allele CA3499532.